The following is an entry in ClinVar:

NM_003413.4(ZIC3):c.607G>A (p.Ala203Thr)

Gene: ZIC3 (Zic family zinc finger 3; plus strand). Cytogenetic location: Xq26.3.
Variant type: single nucleotide variant.
Coding change: c.607G>A on transcript NM_003413.4 (MANE Select); coding-DNA position 607, G replaced by A.
Protein change: p.Ala203Thr; replaces alanine 203 with threonine.
Molecular consequence: missense variant.
Genome position (GRCh38, 1-based): chrX:137,567,298, G>A. VCF-style: chrX-137567298-G-A. GRCh37 (hg19) VCF-style: chrX-136649457-G-A.
Other names: c.607G>A, p.Ala203Thr (NM_001330661.1); short protein forms A203T.
Identifiers: ClinVar variation 913335 (VCV000913335.15), dbSNP rs140823819, ClinGen allele CA10529308.

ClinVar aggregate classification (germline): Benign/Likely benign. Review status: criteria provided, multiple submitters, no conflicts (2 of 4 stars). 5 submissions from 4 submitters: Benign (2); Likely benign (2). 1 of the submissions does not count toward it. Last evaluated 2026-01-13.

Conditions:
VACTERL association, X-linked, with or without hydrocephalus (VACTERLX). Also called: VACTERL Association with Hydrocephalus, X-linked; X-linked VACTERL-H syndrome; VACTERL ASSOCIATION, X-LINKED; VACTERL-H, X-LINKED. Identifiers: Orphanet 3412, MedGen C2931228, MONDO:0010752, OMIM 314390.
ZIC3-related disorder. Also called: ZIC3-related condition; ZIC3-Related Disorders.
Heterotaxy, visceral, 1, X-linked (HTX1). Also called: Laterality, X-linked; Visceral heterotaxia; DEXTROCARDIA WITH OTHER CARDIAC MALFORMATIONS; SITUS INVERSUS, COMPLEX CARDIAC DEFECTS, AND SPLENIC DEFECTS, X-LINKED. Identifiers: Orphanet 450, MedGen C1844020, MONDO:0010607, OMIM 306955.

Allele frequency attached by ClinVar (database versions not stated): gnomAD exomes 0.00009 and 0.00027; ExAC 0.00032; ESP Exome Variant Server 0.00106; gnomAD 0.00107 and 0.00113; TOPMed 0.00112.
gnomAD v4.1: 219 of 1,210,048 alleles (0.018%); highest among the groups gnomAD compares: African/African-American, 0.35%; 2 homozygotes.

Submissions (5):

Labcorp Genetics (formerly Invitae), Labcorp
Classification: Benign for Heterotaxy, visceral, 1, X-linked. Last evaluated: 2026-01-13. Review status: criteria provided, single submitter. Criteria: Invitae Variant Classification Sherloc (09022015). Collection method: clinical testing. Allele origin: germline.

Illumina Laboratory Services, Illumina
Classification: Benign for VACTERL association, X-linked, with or without hydrocephalus. Last evaluated: 2018-01-13. Review status: criteria provided, single submitter. Criteria: ICSL Variant Classification Criteria 13 December 2019. Collection method: clinical testing. Allele origin: germline.
Comment: This variant was observed in the ICSL laboratory as part of a predisposition screen in an ostensibly healthy population. It had not been previously curated by ICSL or reported in the Human Gene Mutation Database (HGMD: prior to June 1st, 2018), and was therefore a candidate for classification through an automated scoring system. Utilizing variant allele frequency, disease prevalence and penetrance estimates, and inheritance mode, an automated score was calculated to assess if this variant is too frequent to cause the disease. Based on the score and internal cut-off values, a variant classified as benign is not then subjected to further curation. The score for this variant resulted in a classification of benign for this disease.

Illumina Laboratory Services, Illumina
Classification: Likely benign for Heterotaxy, visceral, 1, X-linked. Last evaluated: 2018-01-13. Review status: criteria provided, single submitter. Criteria: ICSL Variant Classification Criteria 13 December 2019. Collection method: clinical testing. Allele origin: germline.
Comment: This variant was observed in the ICSL laboratory as part of a predisposition screen in an ostensibly healthy population. It had not been previously curated by ICSL or reported in the Human Gene Mutation Database (HGMD: prior to June 1st, 2018), and was therefore a candidate for classification through an automated scoring system. Utilizing variant allele frequency, disease prevalence and penetrance estimates, and inheritance mode, an automated score was calculated to assess if this variant is too frequent to cause the disease. Based on the score and internal cut-off values, a variant classified as likely benign is not then subjected to further curation. The score for this variant resulted in a classification of likely benign for this disease.

Breakthrough Genomics
Classification: Likely benign. Review status: criteria provided, single submitter. Criteria: ACMG Guidelines, 2015. Collection method: not provided. Allele origin: germline. Inheritance: X-linked inheritance. Affected: yes.

PreventionGenetics, part of Exact Sciences
Classification: Likely benign for ZIC3-related condition. Last evaluated: 2022-06-09. Review status: no assertion criteria provided. Collection method: clinical testing. Allele origin: germline. Not counted in ClinVar's aggregate classification.
Comment: This variant is classified as likely benign based on ACMG/AMP sequence variant interpretation guidelines (Richards et al. 2015 PMID: 25741868, with internal and published modifications).